The following is an entry in ClinVar:

ClinVar aggregate classification (germline): Pathogenic (1 of 4 stars; one submission).

Conditions:
Bryant-Li-Bhoj neurodevelopmental syndrome 2 (BRYLIB2). Also called: H3-3B syndrome. Identifiers: MedGen C5676906, MONDO:0030607, OMIM 619721. Disease mechanism: loss of function.

Submission:

Victorian Clinical Genetics Services, Murdoch Childrens Research Institute
Classification: Pathogenic for Bryant-Li-Bhoj neurodevelopmental syndrome 2. Last evaluated: 2025-10-28. Review status: criteria provided, single submitter. Criteria: ACMG Guidelines, 2015. Collection method: clinical testing. Allele origin: germline. Affected: yes.
Comment: This variant is classified as Pathogenic. Evidence in support of pathogenic classification: Variant is absent from gnomAD (v2, v3 and v4); Another missense variant comparable to the one identified in this case has limited previous evidence for pathogenicity. p.(Lys10Glu) has been reported in the literature in a de novo individual with H3-B3-related features (PMID: 34876591); Variant is located in a hotspot region or cluster of PATHOGENIC variants (DECIPHER); Additional information: Variant is predicted to result in a missense amino acid change from Lys to Arg; This variant is heterozygous; This gene is associated with autosomal dominant disease; This variant has no previous evidence of pathogenicity; No published evidence of segregation with disease has been identified for this variant; No published functional evidence has been identified for this variant; Missense variant with inconclusive in silico prediction and/or uninformative conservation; The mechanism of disease for this gene is not clearly established.

Literature cited by the submitters: PubMed 34876591.

NM_005324.5(H3-3B):c.29A>G (p.Lys10Arg)

Gene: H3-3B (H3.3 histone B; minus strand). Cytogenetic location: 17q25.1.
Variant type: single nucleotide variant.
Coding change: c.29A>G on transcript NM_005324.5 (MANE Select); coding-DNA position 29, A replaced by G.
Protein change: p.Lys10Arg; replaces lysine 10 with arginine.
Molecular consequence: missense variant.
Genome position (GRCh38, 1-based): chr17:75,779,146, T>C on the plus strand (A>G on the coding strand, the complement: H3-3B is on the minus strand). VCF-style: chr17-75779146-T-C. GRCh37 (hg19) VCF-style: chr17-73775227-T-C.
Other names: short protein forms K10R.
Identifiers: ClinVar variation 4531680 (VCV004531680.1).
Genomic context (GRCh38, chr17:75,779,146, plus strand): 5'-GCGCTTTTCCTGGCGGCTTTCGTGGCCAGCTGTTTGCGGGGGGCTTTCCCACCGGTGGAC[T>C]TACGAGCAGTCTGCTTGGTTCGGGCCATTTTCTTTCACCTAAGAAAGACGCCCCGAAGAT-3'
Protein context (NP_005315.1, residues 1-20): MARTKQTAR[Lys10Arg]STGGKAPRKQ